The following is an entry in ClinVar:

NM_015072.5(TTLL5):c.957C>A (p.Asp319Glu)

Gene: TTLL5 (tubulin tyrosine ligase like 5; plus strand). Cytogenetic location: 14q24.3.
Variant type: single nucleotide variant.
Coding change: c.957C>A on transcript NM_015072.5 (MANE Select); coding-DNA position 957, C replaced by A.
Protein change: p.Asp319Glu; replaces aspartic acid 319 with glutamic acid.
Molecular consequence: missense variant.
Genome position (GRCh38, 1-based): chr14:75,720,618, C>A. VCF-style: chr14-75720618-C-A. GRCh37 (hg19) VCF-style: chr14-76186961-C-A.
Other names: short protein forms D319E.
Identifiers: ClinVar variation 1350732 (VCV001350732.6), dbSNP rs765689042, ClinGen allele CA7279178.
Genomic context (GRCh38, chr14:75,720,618, plus strand): 5'-TGATATTGAGTCTGAAATTTAAAAATTTTTGTTTGCAGCATTGATGGCCCATGTAGAAGA[C>A]CTGATCATTAAGACTATAATCTCTGCTGAACTAGCTATTGCTACTGCCTGTAAAACCTTT-3'
Protein context (NP_055887.3, residues 309-329): DTTALMAHVE[Asp319Glu]LIIKTIISAE

ClinVar aggregate classification (germline): Uncertain significance (1 of 4 stars; one submission).

Allele frequency attached by ClinVar (database versions not stated): gnomAD exomes below 0.00001; ExAC 0.00001.
gnomAD v4.1: 1 of 1,613,486 alleles (0.000062%); highest among the groups gnomAD compares: Admixed American, 0.0017%; no homozygotes.

Submission:

Labcorp Genetics (formerly Invitae), Labcorp
Classification: Uncertain significance. Last evaluated: 2021-11-10. Review status: criteria provided, single submitter. Criteria: Invitae Variant Classification Sherloc (09022015). Collection method: clinical testing. Allele origin: germline.
Comment: This variant has not been reported in the literature in individuals affected with TTLL5-related conditions. This variant is present in population databases (rs765689042, gnomAD 0.003%). This sequence change replaces aspartic acid, which is acidic and polar, with glutamic acid, which is acidic and polar, at codon 319 of the TTLL5 protein (p.Asp319Glu). Algorithms developed to predict the effect of missense changes on protein structure and function (SIFT, PolyPhen-2, Align-GVGD) all suggest that this variant is likely to be disruptive. In summary, the available evidence is currently insufficient to determine the role of this variant in disease. Therefore, it has been classified as a Variant of Uncertain Significance.